The following is an entry in ClinVar:

ClinVar aggregate classification (germline): Pathogenic. Review status: criteria provided, single submitter (1 of 4 stars). 2 submissions from 2 submitters: Pathogenic (1). 1 of the submissions does not count toward it. Last evaluated 2024-06-07.

Conditions:
Mucopolysaccharidosis, MPS-II (MPS2). Also called: IDS deficiency; Sulfoiduronate sulfatase deficiency; SIDS deficiency; Mucopolysaccharidosis type 2; Mucopolysaccharidosis Type II; Attenuated MPS (subtype; formerly known as mild MPS II). Identifiers: Orphanet 580, Orphanet 79388, MedGen C0026705, MONDO:0010674, OMIM 309900.

Submissions (2):

Laboratory of Diagnosis and Therapy of Lysosomal Disorders, University of Padova
Classification: Pathogenic for Mucopolysaccharidosis, MPS-II. Last evaluated: 2024-06-07. Review status: criteria provided, single submitter. Criteria: ACMG Guidelines, 2015. Collection method: literature only. Allele origin: germline. Affected: yes. Observed: 2 variant alleles.
Comment: Located in a mutational hot spot and/or critical functional domain (PM1_Moderate), Absent from controls (or at low frequency) in gnomAD database (PM2_Moderate), Missense variant in a gene with a low rate of benign missense variation (PP2_Supporting), Multiple lines of computational evidence support a deleterious effect (PP3_Supporting), Patient’s phenotype or family history highly specific for the disease (PP4_Strong)

Classification method: ACMG Guidelines [PMID:25741868] with modifications

Laboratory of Inherited Metabolic Diseases, Research centre for medical genetics
Classification: Pathogenic for Mucopolysaccharidosis, type II; MPS2. Review status: no assertion criteria provided. Collection method: research. Allele origin: germline. Affected: yes. Not counted in ClinVar's aggregate classification.

Literature cited by the submitters: PubMed 34813777 (cited by Laboratory of Diagnosis and Therapy of Lysosomal Disorders, University of Padova); PubMed 33676511 (cited by Laboratory of Diagnosis and Therapy of Lysosomal Disorders, University of Padova).

NM_000202.8(IDS):c.136G>A (p.Asp46Asn)

Gene: IDS (iduronate 2-sulfatase; minus strand). Cytogenetic location: Xq28.
Variant type: single nucleotide variant.
Coding change: c.136G>A on transcript NM_000202.8 (MANE Select); coding-DNA position 136, G replaced by A.
Protein change: p.Asp46Asn; replaces aspartic acid 46 with asparagine.
Molecular consequence: missense variant. On other transcripts: 5 prime UTR variant (1), non-coding transcript variant (1).
Genome position (GRCh38, 1-based): chrX:149,504,261, C>T on the plus strand (G>A on the coding strand, the complement: IDS is on the minus strand). VCF-style: chrX-149504261-C-T. GRCh37 (hg19) VCF-style: chrX-148585791-C-T.
Other names: c.-91G>A (NM_001166550.4); c.136G>A, p.Asp46Asn (NM_006123.5); short protein forms D46N.
Identifiers: ClinVar variation 988669 (VCV000988669.3), dbSNP rs2089504816, ClinGen allele CA414527783.
Genomic context (GRCh38, chrX:149,504,261, plus strand): 5'-GGTCAATATTTGGGGACCTCACCAGCTTATCCCCATAACAGCCCAGGGAGGGGCGCAGGT[C>T]ATCCACGATGATGAGAAGAACGTTCAGAGCATCTACACAGGAGGGAGGGGCTTTGGTGAG-3'
Protein context (NP_000193.1, residues 36-56): ALNVLLIIVD[Asp46Asn]LRPSLGCYGD